The following is an entry in ClinVar:

ClinVar aggregate classification (germline): Uncertain significance (1 of 4 stars; one submission).

Conditions:
Charcot-Marie-Tooth disease type 2. Also called: Charcot-Marie-Tooth type 2. Identifiers: Orphanet 64746, MedGen C0270914, MONDO:0018993.

Submission:

Labcorp Genetics (formerly Invitae), Labcorp
Classification: Uncertain significance for Charcot-Marie-Tooth disease type 2. Last evaluated: 2023-11-24. Review status: criteria provided, single submitter. Criteria: Invitae Variant Classification Sherloc (09022015). Collection method: clinical testing. Allele origin: germline.
Comment: This sequence change replaces valine, which is neutral and non-polar, with methionine, which is neutral and non-polar, at codon 430 of the MFN2 protein (p.Val430Met). This variant is not present in population databases (gnomAD no frequency). This variant has not been reported in the literature in individuals affected with MFN2-related conditions. An algorithm developed to predict the effect of missense changes on protein structure and function (PolyPhen-2) suggests that this variant is likely to be disruptive. In summary, the available evidence is currently insufficient to determine the role of this variant in disease. Therefore, it has been classified as a Variant of Uncertain Significance.

NM_014874.4(MFN2):c.1288G>A (p.Val430Met)

Gene: MFN2 (mitofusin 2; plus strand). Cytogenetic location: 1p36.22.
Variant type: single nucleotide variant.
Coding change: c.1288G>A on transcript NM_014874.4 (MANE Select); coding-DNA position 1288, G replaced by A.
Protein change: p.Val430Met; replaces valine 430 with methionine.
Molecular consequence: missense variant.
Genome position (GRCh38, 1-based): chr1:12,004,509, G>A. VCF-style: chr1-12004509-G-A. GRCh37 (hg19) VCF-style: chr1-12064566-G-A.
Other names: c.1288G>A, p.Val430Met (NM_001127660.2); short protein forms V430M.
Identifiers: ClinVar variation 2698608 (VCV002698608.3), dbSNP rs2523076682, ClinGen allele CA338445710.